The following is an entry in ClinVar:

NM_005219.5(DIAPH1):c.395C>A (p.Ser132Tyr)

Gene: DIAPH1 (diaphanous related formin 1; minus strand). Cytogenetic location: 5q31.3.
Variant type: single nucleotide variant.
Coding change: c.395C>A on transcript NM_005219.5 (MANE Select); coding-DNA position 395, C replaced by A.
Protein change: p.Ser132Tyr; replaces serine 132 with tyrosine.
Molecular consequence: missense variant.
Genome position (GRCh38, 1-based): chr5:141,584,131, G>T on the plus strand (C>A on the coding strand, the complement: DIAPH1 is on the minus strand). VCF-style: chr5-141584131-G-T. GRCh37 (hg19) VCF-style: chr5-140963698-G-T.
Other names: c.368C>A, p.Ser123Tyr (NM_001079812.3); c.395C>A, p.Ser132Tyr (NM_001314007.2); short protein forms S123Y, S132Y.
Identifiers: ClinVar variation 2923035 (VCV002923035.3), dbSNP rs2513773914, ClinGen allele CA361543426.

ClinVar aggregate classification (germline): Uncertain significance (1 of 4 stars; one submission).

Conditions:
Progressive microcephaly-seizures-cortical blindness-developmental delay syndrome. Also called: Seizures, cortical blindness, and microcephaly syndrome. Identifiers: Orphanet 477814, MedGen C5567650, MONDO:0014714, OMIM 616632.
Autosomal dominant nonsyndromic hearing loss 1. Also called: DEAFNESS, AUTOSOMAL DOMINANT 1, WITH OR WITHOUT THROMBOCYTOPENIA; KONIGSMARK SYNDROME. Identifiers: Orphanet 90635, MedGen C1852282, MONDO:0007424, OMIM 124900.

gnomAD v4.1: 11 of 1,604,410 alleles (0.00069%); highest among the groups gnomAD compares: Non-Finnish European, 0.00094%; no homozygotes.

Submission:

Labcorp Genetics (formerly Invitae), Labcorp
Classification: Uncertain significance for Progressive microcephaly-seizures-cortical blindness-developmental delay syndrome; Autosomal dominant nonsyndromic hearing loss 1. Last evaluated: 2023-02-18. Review status: criteria provided, single submitter. Criteria: Invitae Variant Classification Sherloc (09022015). Collection method: clinical testing. Allele origin: germline.
Comment: This sequence change replaces serine, which is neutral and polar, with tyrosine, which is neutral and polar, at codon 132 of the DIAPH1 protein (p.Ser132Tyr). This variant is not present in population databases (gnomAD no frequency). This variant has not been reported in the literature in individuals affected with DIAPH1-related conditions. Experimental studies and prediction algorithms are not available or were not evaluated, and the functional significance of this variant is currently unknown. In summary, the available evidence is currently insufficient to determine the role of this variant in disease. Therefore, it has been classified as a Variant of Uncertain Significance.